The following is an entry in ClinVar:

ClinVar aggregate classification (germline): Likely benign. Review status: criteria provided, multiple submitters, no conflicts (2 of 4 stars). 3 submissions from 3 submitters: Likely benign (3). Last evaluated 2024-02-28.

Conditions:
Familial hypercholesterolemia. Also called: Familial hypercholesterolemias; Familial hypercholesterolaemia. Identifiers: MedGen C0020445, MONDO:0005439.
Cardiovascular phenotype. Identifiers: MedGen CN230736.
Familial hypobetalipoproteinemia 1. Also called: Hypobetalipoproteinemia, normotriglyceridemic; Acanthocytosis with hypobetalipoproteinemia; APOB-Related Familial Hypobetalipoproteinemia. Identifiers: MedGen C4551990, MONDO:0014252, OMIM 615558.
Hypercholesterolemia, autosomal dominant, type B (FHCL2). Also called: Familial Hypercholesterolemia Type B; HYPERCHOLESTEROLEMIA, FAMILIAL, DUE TO LIGAND-DEFECTIVE APOLIPOPROTEIN B; Familial hypercholesterolemia 2; APOB-Related Familial Hypercholesterolemia, Autosomal Dominant; APOLIPOPROTEIN B-100, FAMILIAL DEFECTIVE; APOLIPOPROTEIN B-100, FAMILIAL LIGAND-DEFECTIVE. Identifiers: MedGen C1704417, MONDO:0007751, OMIM 144010.

Allele frequency attached by ClinVar (database versions not stated): gnomAD exomes 0.00001 and 0.00003; ExAC 0.00002; TOPMed 0.00007; ESP Exome Variant Server 0.00008; gnomAD 0.00011 and 0.00014.
gnomAD v4.1: 37 of 1,613,148 alleles (0.0023%); highest among the groups gnomAD compares: African/African-American, 0.037%; no homozygotes.

Submissions (3):

GENinCode PLC
Classification: Likely benign for Familial hypercholesterolemia. Last evaluated: 2024-02-28. Review status: criteria provided, single submitter. Criteria: ACMG Guidelines, 2015. Collection method: clinical testing. Allele origin: germline.
Comment: This is a synonymous (silent) variant that is not predicted by SpliceAI to impact splicing. In addition, it occurs at a nucleotide that is not conserved. Therefore this variant has been classified as Likely Benign (BP4, BP7).

Labcorp Genetics (formerly Invitae), Labcorp
Classification: Likely benign for Familial hypobetalipoproteinemia 1; Hypercholesterolemia, autosomal dominant, type B. Last evaluated: 2024-02-02. Review status: criteria provided, single submitter. Criteria: Invitae Variant Classification Sherloc (09022015). Collection method: clinical testing. Allele origin: germline.

Ambry Genetics
Classification: Likely benign for Cardiovascular phenotype. Last evaluated: 2020-08-05. Review status: criteria provided, single submitter. Criteria: Ambry Variant Classification Scheme 2023. Collection method: clinical testing. Allele origin: germline.

NM_000384.3(APOB):c.1341C>T (p.His447=)

Gene: APOB (apolipoprotein B; minus strand). Cytogenetic location: 2p24.1.
Variant type: single nucleotide variant.
Coding change: c.1341C>T on transcript NM_000384.3 (MANE Select); coding-DNA position 1341, C replaced by T.
Protein change: p.His447=; no amino-acid change (histidine 447 retained).
Molecular consequence: synonymous variant.
Genome position (GRCh38, 1-based): chr2:21,032,365, G>A on the plus strand (C>T on the coding strand, the complement: APOB is on the minus strand). VCF-style: chr2-21032365-G-A. GRCh37 (hg19) VCF-style: chr2-21255237-G-A.
Identifiers: ClinVar variation 923528 (VCV000923528.13), dbSNP rs370418745, ClinGen allele CA052653.
Genomic context (GRCh38, chr2:21,032,365, plus strand): 5'-CAAGATGTTCCTCTGCTCCTAGGAGGAGAAATACAGTGTGGAAACTCACTTGTTGACCGC[G>A]TGGCTCAGCGCATACAAGGTGGCTCGGCTGCGCTGATCCCTCGCCATGTTGAAGATCTCT-3'
Protein context (NP_000375.3, residues 437-457): RSRATLYALS[His447=]AVNNYHKTNP